The following is an entry in ClinVar:

ClinVar aggregate classification (germline): Uncertain significance (1 of 4 stars; one submission).

Submission:

Labcorp Genetics (formerly Invitae), Labcorp
Classification: Uncertain significance. Last evaluated: 2021-12-24. Review status: criteria provided, single submitter. Criteria: Invitae Variant Classification Sherloc (09022015). Collection method: clinical testing. Allele origin: germline.
Comment: This sequence change replaces histidine, which is basic and polar, with tyrosine, which is neutral and polar, at codon 191 of the SLC39A7 protein (p.His191Tyr). This variant is present in population databases (no rsID available, gnomAD 0.0009%). This variant has not been reported in the literature in individuals affected with SLC39A7-related conditions. Algorithms developed to predict the effect of missense changes on protein structure and function (SIFT, PolyPhen-2, Align-GVGD) all suggest that this variant is likely to be disruptive. In summary, the available evidence is currently insufficient to determine the role of this variant in disease. Therefore, it has been classified as a Variant of Uncertain Significance.

NM_006979.3(SLC39A7):c.571C>T (p.His191Tyr)

Gene: SLC39A7 (solute carrier family 39 member 7; plus strand). Cytogenetic location: 6p21.32.
Variant type: single nucleotide variant.
Coding change: c.571C>T on transcript NM_006979.3 (MANE Select); coding-DNA position 571, C replaced by T.
Protein change: p.His191Tyr; replaces histidine 191 with tyrosine.
Molecular consequence: missense variant.
Genome position (GRCh38, 1-based): chr6:33,201,904, C>T. VCF-style: chr6-33201904-C-T. GRCh37 (hg19) VCF-style: chr6-33169681-C-T.
Other names: c.571C>T, p.His191Tyr (NM_001077516.2); c.196C>T, p.His66Tyr (NM_001288777.2); short protein forms H66Y, H191Y.
Identifiers: ClinVar variation 2056586 (VCV002056586.4), dbSNP rs533011440, ClinGen allele CA363640755.
Genomic context (GRCh38, chr6:33,201,904, plus strand): 5'-ATCTTGCTCAGTTTTGCTTCCGGTGGGCTCCTGGGAGATGCTTTCCTGCACCTCATTCCT[C>T]ATGCTCTTGGTAAGTAACCTCTGACTTCTACCTCAAATCTAACCTATTTCGTTCTTTGGA-3'
Protein context (NP_008910.2, residues 181-201): LGDAFLHLIP[His191Tyr]ALEPHSHHTL